The following is an entry in ClinVar:

ClinVar aggregate classification (germline): Likely pathogenic (1 of 4 stars; one submission).

Conditions:
Hereditary spastic paraplegia 2 (SPG2). Also called: SPASTIC PARAPLEGIA 2, X-LINKED; Spastic Paraplegia 2 (SPG2). Identifiers: Orphanet 99015, MedGen C0751604, MONDO:0010733, OMIM 312920.

Submission:

Department of Medical Genetics, Sanjay Gandhi Post Graduate Institute of Medical Sciences
Classification: Likely pathogenic for Hereditary spastic paraplegia 2. Review status: criteria provided, single submitter. Criteria: ACMG Guidelines, 2015. Collection method: research. Allele origin: germline. Inheritance: X-linked recessive inheritance. Affected: yes. Observed: 1 hemizygote.

NM_000533.5(PLP1):c.343del (p.Ala115fs)

Genes: PLP1 (proteolipid protein 1; plus strand), RAB9B (RAB9B, member RAS oncogene family; minus strand). Cytogenetic location: Xq22.2.
Variant type: Deletion.
Coding change: c.343del on transcript NM_000533.5 (MANE Select); coding-DNA position 343, one base deleted (G; older notation c.343delG).
Protein change: p.Ala115fs; shifts the reading frame from alanine 115.
Molecular consequence: frameshift variant.
Genome position (GRCh38, 1-based): chrX:103,786,616, G deleted. VCF-style (leftmost placement, unchanged base first): chrX-103786615-CG-C. GRCh37 (hg19) VCF-style: chrX-103041544-CG-C.
Other names: p. Ala115GlnfsTer3; c.343del, p.Ala115fs (NM_001128834.3, NM_199478.3); c.178del, p.Ala60fs (NM_001305004.1); short protein forms A115fs, A60fs.
Identifiers: ClinVar variation 4759350 (VCV004759350.1).